The following is an entry in ClinVar:

ClinVar aggregate classification (germline): Likely pathogenic (1 of 4 stars; one submission).

Conditions:
Metaphyseal chondrodysplasia, McKusick type (CHH). Also called: Cartilage-Hair Hypoplasia (CHH); Cartilage-hair hypoplasia. Identifiers: Orphanet 175, MedGen C0220748, MONDO:0009595, OMIM 250250.

Submission:

Women's Health and Genetics/Laboratory Corporation of America, LabCorp
Classification: Likely pathogenic for Metaphyseal chondrodysplasia, McKusick type. Last evaluated: 2022-03-31. Review status: criteria provided, single submitter. Criteria: LabCorp Variant Classification Summary - May 2015. Collection method: clinical testing. Allele origin: germline.
Comment: Variant summary: RMRP n.-19_-4[3] is located in the untranscribed region upstream of the RMRP gene region, which is located between the TATA box (-33 to -25) and the transcription initiation site. Other insertions, duplications and triplications in the promoter region of RMRP have been classified as pathogenic (internally and in ClinVar). The frequency of this variant in the general population could not be determined as the technology used for large population databases (ExAC, gnomAD, ESP, 1000G) cannot detect variants of this type. The available data on variant occurrences in the general population are insufficient to allow any conclusion about variant significance. To our knowledge, no occurrence of n.-19_-4[3] in individuals affected with Cartilage-Hair Hypoplasia and no experimental evidence demonstrating its impact on protein function have been reported. No clinical diagnostic laboratories have submitted clinical-significance assessments for this variant to ClinVar after 2014. Based on the evidence outlined above, the variant was classified as likely pathogenic.

NC_000009.12:g.35658022TCCTCAGCTTCACAGA[3]

Gene: RMRP (RNA component of mitochondrial RNA processing endoribonuclease; minus strand). Cytogenetic location: 9p13.3.
Variant type: Microsatellite.
Genome position: GRCh38, VCF-style position (the base before the change): chr9:35,658,021. GRCh37 (hg19), VCF-style position (the base before the change): chr9:35,658,018.
Identifiers: ClinVar variation 1677237 (VCV001677237.2), dbSNP rs1563907859, ClinGen allele CA2580616182.